The following is an entry in ClinVar:

NM_016599.5(MYOZ2):c.544T>C (p.Tyr182His)

Gene: MYOZ2 (myozenin 2; plus strand). Cytogenetic location: 4q26.
Variant type: single nucleotide variant.
Coding change: c.544T>C on transcript NM_016599.5 (MANE Select); coding-DNA position 544, T replaced by C.
Protein change: p.Tyr182His; replaces tyrosine 182 with histidine.
Molecular consequence: missense variant.
Genome position (GRCh38, 1-based): chr4:119,164,378, T>C. VCF-style: chr4-119164378-T-C. GRCh37 (hg19) VCF-style: chr4-120085533-T-C.
Other names: short protein forms Y182H.
Identifiers: ClinVar variation 1914384 (VCV001914384.5), dbSNP rs776107985, ClinGen allele CA3058661.

ClinVar aggregate classification (germline): Uncertain significance (1 of 4 stars; one submission).

Conditions:
Hypertrophic cardiomyopathy. Also called: HYPERTROPHIC MYOCARDIOPATHY. Identifiers: Orphanet 217569, MedGen C0007194, MeSH D002312, MONDO:0005045, HP:0001639.

Allele frequency attached by ClinVar (database versions not stated): TOPMed below 0.00001; gnomAD 0.00001; gnomAD exomes 0.00001; ExAC 0.00002.
gnomAD v4.1: 9 of 1,613,928 alleles (0.00056%); highest among the groups gnomAD compares: East Asian, 0.0089%; no homozygotes.

Submission:

Labcorp Genetics (formerly Invitae), Labcorp
Classification: Uncertain significance for Hypertrophic cardiomyopathy. Last evaluated: 2025-11-03. Review status: criteria provided, single submitter. Criteria: Invitae Variant Classification Sherloc (09022015). Collection method: clinical testing. Allele origin: germline.
Comment: This sequence change replaces tyrosine, which is neutral and polar, with histidine, which is basic and polar, at codon 182 of the MYOZ2 protein (p.Tyr182His). This variant is present in population databases (rs776107985, gnomAD 0.02%). This variant has not been reported in the literature in individuals affected with MYOZ2-related conditions. ClinVar contains an entry for this variant (Variation ID: 1914384). Invitae Evidence Modeling of protein sequence and biophysical properties (such as structural, functional, and spatial information, amino acid conservation, physicochemical variation, residue mobility, and thermodynamic stability) indicates that this missense variant is expected to disrupt MYOZ2 protein function with a positive predictive value of 80%. In summary, the available evidence is currently insufficient to determine the role of this variant in disease. Therefore, it has been classified as a Variant of Uncertain Significance.